The following is an entry in ClinVar:

NM_001282112.2(TOP3B):c.1145A>G (p.His382Arg)

Gene: TOP3B (DNA topoisomerase III beta; minus strand). Cytogenetic location: 22q11.22.
Variant type: single nucleotide variant.
Coding change: c.1145A>G on transcript NM_001282112.2 (MANE Select); coding-DNA position 1145, A replaced by G.
Protein change: p.His382Arg; replaces histidine 382 with arginine.
Molecular consequence: missense variant. On other transcripts: non-coding transcript variant (1).
Genome position (GRCh38, 1-based): chr22:21,963,982, T>C on the plus strand (A>G on the coding strand, the complement: TOP3B is on the minus strand). VCF-style: chr22-21963982-T-C. GRCh37 (hg19) VCF-style: chr22-22318354-T-C.
Other names: c.1145A>G, p.His382Arg (NM_001282113.2, NM_001349845.2, NM_001349847.2 and 1 more transcripts); c.737A>G, p.His246Arg (NM_001349848.2, NM_001349850.2, NM_001349851.2 and 1 more transcripts); short protein forms H246R, H382R.
Identifiers: ClinVar variation 3060731 (VCV003060731.2), dbSNP rs75602167, ClinGen allele CA10125729.
Genomic context (GRCh38, chr22:21,963,982, plus strand): 5'-CCTAATTCGGCCTCTGTGGCAGACTTCATGGGGGTGATGGGGGGATGGTCGCCGGCGTCA[T>C]GGCCTTTCCGCGGGCGGTTGATACCTTCTGCTAACAACCGCTTCACCTGAGGGAGAGAAG-3'
Protein context (NP_001269041.1, residues 372-392): AEGINRPRKG[His382Arg]DAGDHPPITP

ClinVar aggregate classification (germline): Benign (0 of 4 stars; one submission).

Conditions:
TOP3B-related disorder. Also called: TOP3B-related condition.

Allele frequency attached by ClinVar (database versions not stated): 1000 Genomes Project 0.00519; 1000 Genomes Project 30x 0.00547; gnomAD 0.01269; ExAC 0.01351; TOPMed 0.01430; ESP Exome Variant Server 0.01476.
gnomAD v4.1: 26,695 of 1,612,800 alleles (1.7%); highest among the groups gnomAD compares: Non-Finnish European, 1.8%; 351 homozygotes.

Submission:

PreventionGenetics, part of Exact Sciences
Classification: Benign for TOP3B-related condition. Last evaluated: 2019-07-11. Review status: no assertion criteria provided. Collection method: clinical testing. Allele origin: germline.
Comment: This variant is classified as benign based on ACMG/AMP sequence variant interpretation guidelines (Richards et al. 2015 PMID: 25741868, with internal and published modifications).